The following is an entry in ClinVar:

NM_033448.3(KRT71):c.507_578dup (p.Leu192_Glu193insAspLeuAsnAsnCysLysAsnAsnLeuGluProIleLeuGluGlyTyrIleSerAsnLeuArgLysGlnLeu)

Gene: KRT71 (keratin 71; minus strand). Cytogenetic location: 12q13.13.
Variant type: Duplication.
Coding change: c.507_578dup on transcript NM_033448.3 (MANE Select); coding-DNA positions 507 to 578, 72 bases duplicated.
Protein change: p.Leu192_Glu193insAspLeuAsnAsnCysLysAsnAsnLeuGluProIleLeuGluGlyTyrIleSerAsnLeuArgLysGlnLeu.
Molecular consequence: inframe insertion.
Genome position (GRCh38, 1-based): chr12:52,550,107-52,550,178, 72 bases duplicated. GRCh37 (hg19): chr12:52,943,901-52,943,972.
Identifiers: ClinVar variation 4705313 (VCV004705313.1).

ClinVar aggregate classification (germline): Uncertain significance (1 of 4 stars; one submission).

Submission:

Labcorp Genetics (formerly Invitae), Labcorp
Classification: Uncertain significance. Last evaluated: 2025-12-24. Review status: criteria provided, single submitter. Criteria: Invitae Variant Classification Sherloc (09022015). Collection method: clinical testing. Allele origin: germline.
Comment: This variant, c.507_578dup, results in the insertion of 24 amino acid(s) of the KRT71 protein (p.Asp169_Leu192dup), but otherwise preserves the integrity of the reading frame. This variant is not present in population databases (gnomAD no frequency). This variant has not been reported in the literature in individuals affected with KRT71-related conditions. In summary, the available evidence is currently insufficient to determine the role of this variant in disease. Therefore, it has been classified as a Variant of Uncertain Significance.